The following is an entry in ClinVar:

NM_003002.4(SDHD):c.186_189dup (p.Leu64fs)

Gene: SDHD (succinate dehydrogenase complex subunit D; plus strand). Cytogenetic location: 11q23.1.
Variant type: Duplication.
Coding change: c.186_189dup on transcript NM_003002.4 (MANE Select); coding-DNA positions 186 to 189, 4 bases duplicated (ATCT; older notation c.186_189dupATCT).
Protein change: p.Leu64fs; shifts the reading frame from leucine 64.
Molecular consequence: frameshift variant. On other transcripts: non-coding transcript variant (1), intron variant (1).
Genome position (GRCh38, 1-based): chr11:112,088,883-112,088,886, ATCT duplicated. VCF-style (leftmost placement, unchanged base first): chr11-112088882-C-CATCT. GRCh37 (hg19) VCF-style: chr11-111959606-C-CATCT.
Other names: p.Leu64Ilefs*6; c.69_72dup, p.Leu25fs (NM_001276504.2); c.186_189dup, p.Leu64fs (NM_001276506.2); c.169+910_169+913dup (NM_001276503.2); short protein forms L25fs, L64fs.
Identifiers: ClinVar variation 2683431 (VCV002683431.1), dbSNP rs2498904485, ClinGen allele CA2697558953.

ClinVar aggregate classification (germline): Likely pathogenic (1 of 4 stars; one submission).

Submission:

Mayo Clinic Laboratories, Mayo Clinic
Classification: Likely pathogenic. Last evaluated: 2022-07-28. Review status: criteria provided, single submitter. Criteria: ACMG Guidelines, 2015. Collection method: clinical testing. Allele origin: germline. Observed: 1 variant allele.
Comment: PM2, PVS1